The following is an entry in ClinVar:

ClinVar aggregate classification (germline): Uncertain significance (1 of 4 stars; one submission).

Submission:

GeneDx
Classification: Uncertain significance. Last evaluated: 2023-04-27. Review status: criteria provided, single submitter. Criteria: GeneDx Variant Classification Process June 2021. Collection method: clinical testing. Allele origin: germline. Affected: yes.
Comment: Not observed at significant frequency in large population cohorts (gnomAD); In silico analysis supports that this missense variant has a deleterious effect on protein structure/function; Has not been previously published as pathogenic or benign to our knowledge; This variant is associated with the following publications: (PMID: 20619386, 22315494)

NM_005188.4(CBL):c.1229A>T (p.Glu410Val)

Gene: CBL (Cbl proto-oncogene; plus strand). Cytogenetic location: 11q23.3.
Variant type: single nucleotide variant.
Coding change: c.1229A>T on transcript NM_005188.4 (MANE Select); coding-DNA position 1229, A replaced by T.
Protein change: p.Glu410Val; replaces glutamic acid 410 with valine.
Molecular consequence: missense variant.
Genome position (GRCh38, 1-based): chr11:119,278,511, A>T. VCF-style: chr11-119278511-A-T. GRCh37 (hg19) VCF-style: chr11-119149221-A-T.
Other names: short protein forms E410V.
Identifiers: ClinVar variation 2662545 (VCV002662545.1), dbSNP rs2135304374, ClinGen allele CA382913642.
Genomic context (GRCh38, chr11:119,278,511, plus strand): 5'-AGATTAATATTTTAAGTATTTTCAGATGCATCTGTTACTATCTTTTGCTTCTTCTGCAGG[A>T]ATCAGAAGGTCAGGGCTGTCCTTTCTGCCGATGTGAAATTAAAGGTACTGAACCCATCGT-3'
Protein context (NP_005179.2, residues 400-420): MCTSCLTSWQ[Glu410Val]SEGQGCPFCR